The following is an entry in ClinVar:

NM_001370259.2(MEN1):c.241del (p.Ala81fs)

Gene: MEN1 (menin 1; minus strand). Cytogenetic location: 11q13.1.
Variant type: Deletion.
Coding change: c.241del on transcript NM_001370259.2 (MANE Select); coding-DNA position 241, one base deleted (G; older notation c.241delG).
Protein change: p.Ala81fs; shifts the reading frame from alanine 81.
Molecular consequence: frameshift variant.
Genome position (GRCh38, 1-based): chr11:64,809,869, C deleted on the plus strand (G on the coding strand, the reverse complement: MEN1 is on the minus strand); the first of 2 consecutive C bases (chr11:64,809,869-64,809,870); deleting either gives the same sequence. VCF-style (leftmost placement, unchanged base first): chr11-64809868-GC-G. GRCh37 (hg19) VCF-style: chr11-64577340-GC-G.
Other names: c.240delG, p.Ala81Profs (NM_001407149.1, NM_001407150.1, NM_001407151.1 and 8 more transcripts); c.241del, p.Ala81fs (NM_130799.3, NM_130800.3, NM_130801.3 and 9 more transcripts); short protein forms A81fs.
Identifiers: ClinVar variation 2107347 (VCV002107347.4), dbSNP rs2497274181, ClinGen allele CA2580084427.
Genomic context (GRCh38, chr11:64,809,868, plus strand): 5'-ACGGCGCCTCGGATCTGGGCGGTGAAGCGGGCATAGAGGGCGGCGATGATAGACAGGTCG[GC>G]CACGGGAAAGTAGGTGAGGCCGCCAGGCGGGTCGGGGGCGGGGCTGGGCTGGAAGGTGAG-3'

ClinVar aggregate classification (germline): Pathogenic (1 of 4 stars; one submission).

Conditions:
Multiple endocrine neoplasia, type 1 (MEN1). Also called: MEN I; WERMER SYNDROME; Endocrine adenomatosis multiple; MEN 1; MEA I. Identifiers: Orphanet 652, MedGen C0025267, MeSH D018761, MONDO:0007540, OMIM 131100.

Submission:

Labcorp Genetics (formerly Invitae), Labcorp
Classification: Pathogenic for Multiple endocrine neoplasia, type 1. Last evaluated: 2022-03-06. Review status: criteria provided, single submitter. Criteria: Invitae Variant Classification Sherloc (09022015). Collection method: clinical testing. Allele origin: germline.
Comment: For these reasons, this variant has been classified as Pathogenic. This sequence change creates a premature translational stop signal (p.Ala81Profs*38) in the MEN1 gene. It is expected to result in an absent or disrupted protein product. Loss-of-function variants in MEN1 are known to be pathogenic (PMID: 12112656, 17853334). This variant is not present in population databases (gnomAD no frequency). This variant has not been reported in the literature in individuals affected with MEN1-related conditions.

Literature cited by the submitters: PubMed 12112656; PubMed 17853334.